The following is an entry in ClinVar:

NM_001005361.3(DNM2):c.1336-3C>T

Gene: DNM2 (dynamin 2; plus strand). Cytogenetic location: 19p13.2.
Variant type: single nucleotide variant.
Coding change: c.1336-3C>T on transcript NM_001005361.3 (MANE Select); 3 bases into the intron before coding-DNA position 1336, C replaced by T.
Molecular consequence: intron variant.
Genome position (GRCh38, 1-based): chr19:10,798,483, C>T. VCF-style: chr19-10798483-C-T. GRCh37 (hg19) VCF-style: chr19-10909159-C-T.
Other names: c.1336-3C>T (NM_001005360.3, NM_001190716.2, NM_004945.4 and 1 more transcripts).
Identifiers: ClinVar variation 3645620 (VCV003645620.2).

ClinVar aggregate classification (germline): Uncertain significance (1 of 4 stars; one submission).

Conditions:
Charcot-Marie-Tooth disease dominant intermediate B (CMTDIB). Also called: Charcot-Marie-Tooth disease dominant intermediate 1; CMT DI1; Charcot-Marie-Tooth disease dominant intermediate I; CHARCOT-MARIE-TOOTH NEUROPATHY, DOMINANT INTERMEDIATE B. Identifiers: Orphanet 100044, Orphanet 228179, MedGen C1847902, MONDO:0011674, OMIM 606482.

Submission:

Labcorp Genetics (formerly Invitae), Labcorp
Classification: Uncertain significance for Charcot-Marie-Tooth disease dominant intermediate B. Last evaluated: 2024-03-13. Review status: criteria provided, single submitter. Criteria: Invitae Variant Classification Sherloc (09022015). Collection method: clinical testing. Allele origin: germline.
Comment: This sequence change falls in intron 10 of the DNM2 gene. It does not directly change the encoded amino acid sequence of the DNM2 protein. It affects a nucleotide within the consensus splice site. This variant is not present in population databases (gnomAD no frequency). This variant has not been reported in the literature in individuals affected with DNM2-related conditions. Variants that disrupt the consensus splice site are a relatively common cause of aberrant splicing (PMID: 17576681, 9536098). Algorithms developed to predict the effect of sequence changes on RNA splicing suggest that this variant is not likely to affect RNA splicing. In summary, the available evidence is currently insufficient to determine the role of this variant in disease. Therefore, it has been classified as a Variant of Uncertain Significance.

Literature cited by the submitters: PubMed 17576681; PubMed 9536098.